The following is an entry in ClinVar:

NM_000484.4(APP):c.1435G>T (p.Ala479Ser)

Gene: APP (amyloid beta precursor protein; minus strand). Cytogenetic location: 21q21.3.
Variant type: single nucleotide variant.
Coding change: c.1435G>T on transcript NM_000484.4 (MANE Select); coding-DNA position 1435, G replaced by T.
Protein change: p.Ala479Ser; replaces alanine 479 with serine.
Molecular consequence: missense variant.
Genome position (GRCh38, 1-based): chr21:25,975,093, C>A on the plus strand (G>T on the coding strand, the complement: APP is on the minus strand). VCF-style: chr21-25975093-C-A. GRCh37 (hg19) VCF-style: chr21-27347406-C-A.
Other names: c.1363G>T, p.Ala455Ser (NM_001136016.3); c.1042G>T, p.Ala348Ser (NM_001136129.3); c.1267G>T, p.Ala423Ser (NM_001136130.3, NM_001385253.1); c.1105G>T, p.Ala369Ser (NM_001136131.3); c.1435G>T, p.Ala479Ser (NM_001204301.2); c.1378G>T, p.Ala460Ser (NM_001204302.2, NM_201413.3); c.1210G>T, p.Ala404Ser (NM_001204303.2, NM_201414.3); short protein forms A348S, A369S, A404S, A423S, A455S, A460S, A479S.
Identifiers: ClinVar variation 3351879 (VCV003351879.1).

ClinVar aggregate classification (germline): Uncertain significance (0 of 4 stars; one submission).

Conditions:
APP-related disorder. Also called: APP-related condition.

gnomAD v4.1: 147 of 1,613,950 alleles (0.0091%); highest among the groups gnomAD compares: Non-Finnish European, 0.012%; no homozygotes.

Submission:

PreventionGenetics, part of Exact Sciences
Classification: Uncertain significance for APP-related condition. Last evaluated: 2024-04-25. Review status: no assertion criteria provided. Collection method: clinical testing. Allele origin: germline.
Comment: The APP c.1435G>T variant is predicted to result in the amino acid substitution p.Ala479Ser. To our knowledge, this variant has not been reported in the literature. This variant is reported in 0.0085% of alleles in individuals of European (Non-Finnish) descent in gnomAD. At this time, the clinical significance of this variant is uncertain due to the absence of conclusive functional and genetic evidence.